The following is an entry in ClinVar:

NM_002109.6(HARS1):c.584T>C (p.Met195Thr)

Gene: HARS1 (histidyl-tRNA synthetase 1; minus strand). Cytogenetic location: 5q31.3.
Variant type: single nucleotide variant.
Coding change: c.584T>C on transcript NM_002109.6 (MANE Select); coding-DNA position 584, T replaced by C.
Protein change: p.Met195Thr; replaces methionine 195 with threonine.
Molecular consequence: missense variant.
Genome position (GRCh38, 1-based): chr5:140,677,954, A>G on the plus strand (T>C on the coding strand, the complement: HARS1 is on the minus strand). VCF-style: chr5-140677954-A-G. GRCh37 (hg19) VCF-style: chr5-140057539-A-G.
Other names: c.464T>C, p.Met155Thr (NM_001258040.3); c.524T>C, p.Met175Thr (NM_001258041.3); c.404T>C, p.Met135Thr (NM_001258042.3); c.362T>C, p.Met121Thr (NM_001289092.2); c.242T>C, p.Met81Thr (NM_001289093.2); c.497T>C, p.Met166Thr (NM_001289094.2); short protein forms M121T, M135T, M155T, M166T, M175T, M195T, M81T.
Identifiers: ClinVar variation 1680337 (VCV001680337.8), dbSNP rs2149825219, ClinGen allele CA361255697.

ClinVar aggregate classification (germline): Uncertain significance (1 of 4 stars; one submission).

Conditions:
Usher syndrome type 3B. Also called: USHER SYNDROME, TYPE IIIB. Identifiers: MedGen C3281066, MONDO:0013788, OMIM 614504.

Submission:

Labcorp Genetics (formerly Invitae), Labcorp
Classification: Uncertain significance for Usher syndrome type 3B. Last evaluated: 2021-02-15. Review status: criteria provided, single submitter. Criteria: Invitae Variant Classification Sherloc (09022015). Collection method: clinical testing. Allele origin: germline.
Comment: In summary, the available evidence is currently insufficient to determine the role of this variant in disease. Therefore, it has been classified as a Variant of Uncertain Significance. Algorithms developed to predict the effect of missense changes on protein structure and function are either unavailable or do not agree on the potential impact of this missense change (SIFT: "Deleterious"; PolyPhen-2: "Benign"; Align-GVGD: "Class C0"). This variant has not been reported in the literature in individuals with HARS-related conditions. This variant is not present in population databases (ExAC no frequency). This sequence change replaces methionine with threonine at codon 195 of the HARS protein (p.Met195Thr). The methionine residue is weakly conserved and there is a moderate physicochemical difference between methionine and threonine.